The following is an entry in ClinVar:

NM_001013838.3(CARMIL2):c.2515del (p.Val839fs)

Gene: CARMIL2 (capping protein regulator and myosin 1 linker 2; plus strand). Cytogenetic location: 16q22.1.
Variant type: Deletion.
Coding change: c.2515del on transcript NM_001013838.3 (MANE Select); coding-DNA position 2515, one base deleted (G; older notation c.2515delG).
Protein change: p.Val839fs; shifts the reading frame from valine 839.
Molecular consequence: frameshift variant.
Genome position (GRCh38, 1-based): chr16:67,651,772, G deleted; the last of 5 consecutive G bases (chr16:67,651,768-67,651,772); deleting any one gives the same sequence. VCF-style (leftmost placement, unchanged base first): chr16-67651767-AG-A. GRCh37 (hg19) VCF-style: chr16-67685670-AG-A.
Other names: c.2407del, p.Val803fs (NM_001317026.3, NM_001438244.1, NM_001438835.1); short protein forms V803fs, V839fs.
Identifiers: ClinVar variation 4726708 (VCV004726708.1).
Genomic context (GRCh38, chr16:67,651,767, plus strand): 5'-ACACAGCAAGGAGCCTCTGCCCACAGATGCTGCAGGGATCCAGCTGGAGGGAGCAGCTAG[AG>A]GGGGTCCTGGCAGGCTCGAGGGGCCTCCCGGAGCTGCTCCCAGAGCAGCTGCTGCAAGAT-3'

ClinVar aggregate classification (germline): Pathogenic (1 of 4 stars; one submission).

Submission:

Labcorp Genetics (formerly Invitae), Labcorp
Classification: Pathogenic. Last evaluated: 2025-09-05. Review status: criteria provided, single submitter. Criteria: Invitae Variant Classification Sherloc (09022015). Collection method: clinical testing. Allele origin: germline.
Comment: This sequence change creates a premature translational stop signal (p.Val839Serfs*47) in the CARMIL2 gene. It is expected to result in an absent or disrupted protein product. Loss-of-function variants in CARMIL2 are known to be pathogenic (PMID: 27647349, 28112205). The frequency data for this variant in the population databases is considered unreliable, as metrics indicate poor data quality at this position in the gnomAD database. This variant has not been reported in the literature in individuals affected with CARMIL2-related conditions. For these reasons, this variant has been classified as Pathogenic.

Literature cited by the submitters: PubMed 27647349; PubMed 28112205.